The following is an entry in ClinVar:

NM_006206.6(PDGFRA):c.146G>A (p.Cys49Tyr)

Gene: PDGFRA (platelet derived growth factor receptor alpha; plus strand). Cytogenetic location: 4q12.
Variant type: single nucleotide variant.
Coding change: c.146G>A on transcript NM_006206.6 (MANE Select); coding-DNA position 146, G replaced by A.
Protein change: p.Cys49Tyr; replaces cysteine 49 with tyrosine.
Molecular consequence: missense variant.
Genome position (GRCh38, 1-based): chr4:54,261,191, G>A. VCF-style: chr4-54261191-G-A. GRCh37 (hg19) VCF-style: chr4-55127358-G-A.
Other names: c.146G>A, p.Cys49Tyr (NM_001347827.2, NM_001347829.2); c.221G>A, p.Cys74Tyr (NM_001347828.2); c.185G>A, p.Cys62Tyr (NM_001347830.2); short protein forms C74Y, C49Y, C62Y.
Identifiers: ClinVar variation 3416436 (VCV003416436.1).
Genomic context (GRCh38, chr4:54,261,191, plus strand): 5'-CTATCCTTCCAAATGAAAATGAAAAGGTTGTGCAGCTGAATTCATCCTTTTCTCTGAGAT[G>A]CTTTGGGGAGAGTGAAGTGAGCTGGCAGTACCCCATGTCTGAAGAAGAGAGCTCCGATGT-3'
Protein context (NP_006197.1, residues 39-59): VQLNSSFSLR[Cys49Tyr]FGESEVSWQY

ClinVar aggregate classification (germline): Uncertain significance (1 of 4 stars; one submission).

Conditions:
Hereditary cancer-predisposing syndrome. Also called: Neoplastic Syndromes, Hereditary; Tumor predisposition; Hereditary Cancer Syndrome; Hereditary neoplastic syndrome. Identifiers: Orphanet 140162, MedGen C0027672, MeSH D009386, MONDO:0015356.

Submission:

Ambry Genetics
Classification: Uncertain significance for Hereditary cancer-predisposing syndrome. Last evaluated: 2024-10-27. Review status: criteria provided, single submitter. Criteria: Ambry Variant Classification Scheme 2023. Collection method: clinical testing. Allele origin: germline.
Comment: The p.C49Y variant (also known as c.146G>A), located in coding exon 2 of the PDGFRA gene, results from a G to A substitution at nucleotide position 146. The cysteine at codon 49 is replaced by tyrosine, an amino acid with highly dissimilar properties. This amino acid position is conserved. In addition, this alteration is predicted to be deleterious by in silico analysis. Based on the available evidence, the clinical significance of this variant remains unclear.